The following is an entry in ClinVar:

NM_000548.5(TSC2):c.77C>A (p.Pro26Gln)

Gene: TSC2 (TSC complex subunit 2; plus strand). Cytogenetic location: 16p13.3.
Variant type: single nucleotide variant.
Coding change: c.77C>A on transcript NM_000548.5 (MANE Select); coding-DNA position 77, C replaced by A.
Protein change: p.Pro26Gln; replaces proline 26 with glutamine.
Molecular consequence: missense variant. On other transcripts: 5 prime UTR variant (19), non-coding transcript variant (5), intron variant (6).
Genome position (GRCh38, 1-based): chr16:2,048,692, C>A. VCF-style: chr16-2048692-C-A. GRCh37 (hg19) VCF-style: chr16-2098693-C-A.
Other names: c.77C>A, p.Pro26Gln (NM_001406663.1, NM_001406664.1, NM_001406665.1 and 13 more transcripts); c.-740C>A (NM_001406680.1, NM_001406683.1, NM_001406687.1); c.-150C>A (NM_001318831.2, NM_001406682.1, NM_001406684.1 and 2 more transcripts); c.110C>A, p.Pro37Gln (NM_001318832.2); c.-369C>A (NM_001406681.1); c.-1355C>A (NM_001406689.1, NM_001406690.1, NM_001406691.1 and 2 more transcripts); c.-1661C>A (NM_001406693.1); c.-1236C>A (NM_001406694.1, NM_001406695.1); and 4 more; short protein forms P26Q, P37Q.
Identifiers: ClinVar variation 5031312 (VCV005031312.1).
Genomic context (GRCh38, chr16:2,048,692, plus strand): 5'-GCAAAGATTCAGGCTTGAAGGAGAAGTTTAAGATTCTGTTGGGACTGGGAACACCGAGGC[C>A]AAATCCCAGGTCTGCAGAGGGTAAACAGACGGAGTTTATCATCACCGCGGAAATACTGAG-3'
Protein context (NP_000539.2, residues 16-36): KILLGLGTPR[Pro26Gln]NPRSAEGKQT

ClinVar aggregate classification (germline): Uncertain significance (1 of 4 stars; one submission).

Conditions:
Hereditary cancer-predisposing syndrome. Also called: Neoplastic Syndromes, Hereditary; Tumor predisposition; Hereditary neoplastic syndrome; Hereditary Cancer Syndrome. Identifiers: Orphanet 140162, MedGen C0027672, MeSH D009386, MONDO:0015356.

Submission:

Ambry Genetics
Classification: Uncertain significance for Hereditary cancer-predisposing syndrome. Last evaluated: 2026-07-02. Review status: criteria provided, single submitter. Criteria: Ambry Variant Classification Scheme 2023. Collection method: clinical testing. Allele origin: germline.
Comment: The p.P26Q variant (also known as c.77C>A), located in coding exon 1 of the TSC2 gene, results from a C to A substitution at nucleotide position 77. The proline at codon 26 is replaced by glutamine, an amino acid with similar properties. This amino acid position is conserved. In addition, this alteration is predicted to be tolerated by in silico analysis. Based on the available evidence, the clinical significance of this variant remains unclear.